The following is an entry in ClinVar:

NM_019098.5(CNGB3):c.991-8C>T

Gene: CNGB3 (cyclic nucleotide gated channel subunit beta 3; minus strand). Cytogenetic location: 8q21.3.
Variant type: single nucleotide variant.
Coding change: c.991-8C>T on transcript NM_019098.5 (MANE Select); 8 bases into the intron before coding-DNA position 991, C replaced by T.
Molecular consequence: intron variant.
Genome position (GRCh38, 1-based): chr8:86,644,694, G>A on the plus strand (C>T on the coding strand, the complement: CNGB3 is on the minus strand). VCF-style: chr8-86644694-G-A. GRCh37 (hg19) VCF-style: chr8-87656922-G-A.
Other names: c.991-8C>T (NM_019098.4).
Identifiers: ClinVar variation 1099726 (VCV001099726.11), dbSNP rs376799761, ClinGen allele CA4800188.

ClinVar aggregate classification (germline): Likely benign. Review status: criteria provided, multiple submitters, no conflicts (2 of 4 stars). 3 submissions from 3 submitters: Likely benign (3). Last evaluated 2025-11-16.

Conditions:
CNGB3-related disorder. Also called: CNGB3-related condition; CNGB3-related disorders. Identifiers: MedGen CN239340.

Allele frequency attached by ClinVar (database versions not stated): gnomAD 0.00003; gnomAD exomes 0.00005 and 0.00006; ExAC 0.00009; ESP Exome Variant Server 0.00015.
gnomAD v4.1: 72 of 1,504,232 alleles (0.0048%); highest among the groups gnomAD compares: Non-Finnish European, 0.0058%; no homozygotes.

Submissions (3):

Labcorp Genetics (formerly Invitae), Labcorp
Classification: Likely benign. Last evaluated: 2025-11-16. Review status: criteria provided, single submitter. Criteria: Invitae Variant Classification Sherloc (09022015). Collection method: clinical testing. Allele origin: germline.

PreventionGenetics, part of Exact Sciences
Classification: Likely benign for CNGB3-related condition. Last evaluated: 2025-11-10. Review status: criteria provided, single submitter. Criteria: ACMG Guidelines, 2015. Collection method: clinical testing. Allele origin: germline.
Comment: This variant is classified as likely benign based on ACMG/AMP sequence variant interpretation guidelines (Richards et al. 2015 PMID: 25741868, with internal and published modifications).

Blueprint Genetics
Classification: Likely benign. Last evaluated: 2019-10-25. Review status: criteria provided, single submitter. Criteria: ACMG Guidelines, 2015. Collection method: clinical testing. Allele origin: germline.